The following is an entry in ClinVar:

ClinVar aggregate classification (germline): Uncertain significance. Review status: criteria provided, multiple submitters, no conflicts (2 of 4 stars). 4 submissions from 4 submitters: Uncertain significance (3). 1 of the submissions does not count toward it. Last evaluated 2025-08-20.

Conditions:
Fanconi anemia (FA). Also called: Fanconi's anemia. Identifiers: Orphanet 84, MedGen C0015625, MeSH D005199, MONDO:0019391.

Allele frequency attached by ClinVar (database versions not stated): gnomAD 0.00001; TOPMed 0.00002; ExAC 0.00004.
gnomAD v4.1: 54 of 1,613,722 alleles (0.0033%); highest among the groups gnomAD compares: South Asian, 0.0044%; no homozygotes.

Submissions (4):

Quest Diagnostics Nichols Institute San Juan Capistrano
Classification: Uncertain significance. Last evaluated: 2025-08-20. Review status: criteria provided, single submitter. Criteria: Quest Diagnostics criteria. Collection method: clinical testing. Allele origin: unknown.
Comment: The FANCA c.2959G>A (p.Ala987Thr) variant has not been reported in individuals with FANCA-related conditions in the published literature. The frequency of this variant in the general population (Genome Aggregation Database) is uninformative in the assessment of its pathogenicity. Analysis of this variant using bioinformatics tools for the prediction of the effect of amino acid changes on protein structure and function yielded predictions that this variant is benign. Based on the available information, we are unable to determine the clinical significance of this variant.

Labcorp Genetics (formerly Invitae), Labcorp
Classification: Uncertain significance for Fanconi anemia. Last evaluated: 2022-06-22. Review status: criteria provided, single submitter. Criteria: Invitae Variant Classification Sherloc (09022015). Collection method: clinical testing. Allele origin: germline.
Comment: This sequence change replaces alanine, which is neutral and non-polar, with threonine, which is neutral and polar, at codon 987 of the FANCA protein (p.Ala987Thr). This variant is present in population databases (rs752735858, gnomAD 0.007%). This variant has not been reported in the literature in individuals affected with FANCA-related conditions. ClinVar contains an entry for this variant (Variation ID: 845257). Advanced modeling of protein sequence and biophysical properties (such as structural, functional, and spatial information, amino acid conservation, physicochemical variation, residue mobility, and thermodynamic stability) performed at Invitae indicates that this missense variant is not expected to disrupt FANCA protein function. In summary, the available evidence is currently insufficient to determine the role of this variant in disease. Therefore, it has been classified as a Variant of Uncertain Significance.

CeGaT Center for Human Genetics Tuebingen
Classification: Uncertain significance. Last evaluated: 2022-06-01. Review status: criteria provided, single submitter. Criteria: CeGaT Center For Human Genetics Tuebingen Variant Classification Criteria Version 2. Collection method: clinical testing. Allele origin: germline. Affected: yes. Observed: 1 variant allele.
Comment: FANCA: PM2:Supporting, PM5:Supporting, BP4

Natera, Inc.
Classification: Uncertain significance for Fanconi anemia. Last evaluated: 2020-01-31. Review status: no assertion criteria provided. Collection method: clinical testing. Allele origin: germline. Not counted in ClinVar's aggregate classification.

Literature cited by the submitters: PubMed 32546565 (cited by Quest Diagnostics Nichols Institute San Juan Capistrano); PubMed 32235514 (cited by Quest Diagnostics Nichols Institute San Juan Capistrano); PubMed 26580448 (cited by Quest Diagnostics Nichols Institute San Juan Capistrano).

NM_000135.4(FANCA):c.2959G>A (p.Ala987Thr)

Gene: FANCA (FA complementation group A; minus strand). Cytogenetic location: 16q24.3.
Variant type: single nucleotide variant.
Coding change: c.2959G>A on transcript NM_000135.4 (MANE Select); coding-DNA position 2959, G replaced by A.
Protein change: p.Ala987Thr; replaces alanine 987 with threonine.
Molecular consequence: missense variant.
Genome position (GRCh38, 1-based): chr16:89,758,599, C>T on the plus strand (G>A on the coding strand, the complement: FANCA is on the minus strand). VCF-style: chr16-89758599-C-T. GRCh37 (hg19) VCF-style: chr16-89825007-C-T.
Other names: c.2959G>A (NM_000135.3); c.2959G>A, p.Ala987Thr (NM_001286167.3); short protein forms A987T.
Identifiers: ClinVar variation 845257 (VCV000845257.38), dbSNP rs752735858, ClinGen allele CA8251422.